The following is an entry in ClinVar:

NM_002474.3(MYH11):c.1914G>A (p.Ser638=)

Gene: MYH11 (myosin heavy chain 11; minus strand). Cytogenetic location: 16p13.11.
Variant type: single nucleotide variant.
Coding change: c.1914G>A on transcript NM_002474.3 (MANE Select); coding-DNA position 1914, G replaced by A.
Protein change: p.Ser638=; no amino-acid change (serine 638 retained).
Molecular consequence: synonymous variant.
Genome position (GRCh38, 1-based): chr16:15,750,282, C>T on the plus strand (G>A on the coding strand, the complement: MYH11 is on the minus strand). VCF-style: chr16-15750282-C-T. GRCh37 (hg19) VCF-style: chr16-15844139-C-T.
Other names: c.1935G>A, p.Ser645= (NM_001040113.2, NM_001040114.2); c.1914G>A, p.Ser638= (NM_022844.3).
Identifiers: ClinVar variation 238258 (VCV000238258.19), dbSNP rs749496185, ClinGen allele CA7922467.

ClinVar aggregate classification (germline): Likely benign. Review status: criteria provided, multiple submitters, no conflicts (2 of 4 stars). 7 submissions from 7 submitters: Likely benign (6). 1 of the submissions does not count toward it. Last evaluated 2026-01-27.

Conditions:
MYH11-related disorder. Also called: MYH11-related condition.
Familial thoracic aortic aneurysm and aortic dissection (TAAD). Also called: Thoracic aortic aneurysms and dissections. Identifiers: Orphanet 91387, MedGen C4707243, MONDO:0019625.
Aortic aneurysm, familial thoracic 4 (AAT4). Also called: AORTIC ANEURYSM/AORTIC DISSECTION AND PATENT DUCTUS ARTERIOSUS. Identifiers: MedGen C1851504, MONDO:0007568, OMIM 132900.

Allele frequency attached by ClinVar (database versions not stated): gnomAD 0.00001 and 0.00003; ExAC 0.00005; gnomAD exomes 0.00006.
gnomAD v4.1: 69 of 1,613,632 alleles (0.0043%); highest among the groups gnomAD compares: South Asian, 0.047%; no homozygotes.

Submissions (7):

Labcorp Genetics (formerly Invitae), Labcorp
Classification: Likely benign for Aortic aneurysm, familial thoracic 4. Last evaluated: 2026-01-27. Review status: criteria provided, single submitter. Criteria: Invitae Variant Classification Sherloc (09022015). Collection method: clinical testing. Allele origin: germline.

All of Us Research Program, National Institutes of Health
Classification: Likely benign for Familial thoracic aortic aneurysm and aortic dissection. Last evaluated: 2024-05-30. Review status: criteria provided, single submitter. Criteria: ACMG Guidelines, 2015. Collection method: clinical testing. Allele origin: germline. Inheritance: Autosomal dominant inheritance. Observed: 3 variant alleles, 3 heterozygotes.
Comment: This study involves interpretation of variants in research participants for the purpose of population health screening. Participant phenotype was not available at the time of variant classification. Additional details can be found in publication PMID: 35346344, PMCID: PMC8962531

Ambry Genetics
Classification: Likely benign for Familial thoracic aortic aneurysm and aortic dissection. Last evaluated: 2023-05-26. Review status: criteria provided, single submitter. Criteria: Ambry Variant Classification Scheme 2023. Collection method: clinical testing. Allele origin: germline.

Color Diagnostics, LLC DBA Color Health
Classification: Likely benign for Familial thoracic aortic aneurysm and aortic dissection. Last evaluated: 2022-01-21. Review status: criteria provided, single submitter. Criteria: ACMG Guidelines, 2015. Collection method: clinical testing. Allele origin: germline.

GeneDx
Classification: Likely benign. Last evaluated: 2017-08-14. Review status: criteria provided, single submitter. Criteria: GeneDx Variant Classification (06012015). Collection method: clinical testing. Allele origin: germline. Affected: yes.
Comment: This variant is considered likely benign or benign based on one or more of the following criteria: it is a conservative change, it occurs at a poorly conserved position in the protein, it is predicted to be benign by multiple in silico algorithms, and/or has population frequency not consistent with disease.

Breakthrough Genomics
Classification: Likely benign. Review status: criteria provided, single submitter. Criteria: ACMG Guidelines, 2015. Collection method: not provided. Allele origin: germline. Inheritance: Autosomal recessive inheritance. Affected: yes.

PreventionGenetics, part of Exact Sciences
Classification: Likely benign for MYH11-related condition. Last evaluated: 2019-06-05. Review status: no assertion criteria provided. Collection method: clinical testing. Allele origin: germline. Not counted in ClinVar's aggregate classification.
Comment: This variant is classified as likely benign based on ACMG/AMP sequence variant interpretation guidelines (Richards et al. 2015 PMID: 25741868, with internal and published modifications).